The following is an entry in ClinVar:

ClinVar aggregate classification (germline): Uncertain significance (1 of 4 stars; one submission).

Submission:

Labcorp Genetics (formerly Invitae), Labcorp
Classification: Uncertain significance. Last evaluated: 2021-08-28. Review status: criteria provided, single submitter. Criteria: Invitae Variant Classification Sherloc (09022015). Collection method: clinical testing. Allele origin: germline.
Comment: This sequence change falls in intron 12 of the C6 gene. It does not directly change the encoded amino acid sequence of the C6 protein. It affects a nucleotide within the consensus splice site of the intron. This variant is not present in population databases (ExAC no frequency). This variant has not been reported in the literature in individuals affected with C6-related conditions. Variants that disrupt the consensus splice site are a relatively common cause of aberrant splicing (PMID: 17576681, 9536098). Algorithms developed to predict the effect of sequence changes on RNA splicing suggest that this variant may disrupt the consensus splice site. In summary, the available evidence is currently insufficient to determine the role of this variant in disease. Therefore, it has been classified as a Variant of Uncertain Significance.

Literature cited by the submitters: PubMed 17576681; PubMed 9536098.

NM_000065.5(C6):c.1856+4A>G

Gene: C6 (complement C6; minus strand). Cytogenetic location: 5p13.1.
Variant type: single nucleotide variant.
Coding change: c.1856+4A>G on transcript NM_000065.5 (MANE Select); 4 bases into the intron after coding-DNA position 1856, A replaced by G.
Molecular consequence: intron variant.
Genome position (GRCh38, 1-based): chr5:41,159,078, T>C on the plus strand (A>G on the coding strand, the complement: C6 is on the minus strand). VCF-style: chr5-41159078-T-C. GRCh37 (hg19) VCF-style: chr5-41159180-T-C.
Other names: c.1856+4A>G (NM_001115131.4).
Identifiers: ClinVar variation 1512011 (VCV001512011.6), dbSNP rs2150260640, ClinGen allele CA2566886956.